The following is an entry in ClinVar:

ClinVar aggregate classification (germline): Uncertain significance (1 of 4 stars; one submission).

gnomAD v4.1: 3 of 1,614,124 alleles (0.00019%); highest among the groups gnomAD compares: Admixed American, 0.005%; no homozygotes.

Submission:

Labcorp Genetics (formerly Invitae), Labcorp
Classification: Uncertain significance. Last evaluated: 2024-06-25. Review status: criteria provided, single submitter. Criteria: Invitae Variant Classification Sherloc (09022015). Collection method: clinical testing. Allele origin: germline.
Comment: This sequence change replaces leucine, which is neutral and non-polar, with proline, which is neutral and non-polar, at codon 2924 of the FAT2 protein (p.Leu2924Pro). This variant is present in population databases (rs769099386, gnomAD 0.01%). This variant has not been reported in the literature in individuals affected with FAT2-related conditions. Advanced modeling of protein sequence and biophysical properties (such as structural, functional, and spatial information, amino acid conservation, physicochemical variation, residue mobility, and thermodynamic stability) performed at Invitae indicates that this missense variant is not expected to disrupt FAT2 protein function with a negative predictive value of 80%. In summary, the available evidence is currently insufficient to determine the role of this variant in disease. Therefore, it has been classified as a Variant of Uncertain Significance.

NM_001447.3(FAT2):c.8771T>C (p.Leu2924Pro)

Genes: FAT2 (FAT atypical cadherin 2; minus strand), SLC36A1 (solute carrier family 36 member 1; plus strand). Cytogenetic location: 5q33.1.
Variant type: single nucleotide variant.
Coding change: c.8771T>C on transcript NM_001447.3 (MANE Select); coding-DNA position 8771, T replaced by C.
Protein change: p.Leu2924Pro; replaces leucine 2924 with proline.
Molecular consequence: missense variant.
Genome position (GRCh38, 1-based): chr5:151,542,356, A>G on the plus strand (T>C on the coding strand, the complement: FAT2 is on the minus strand). VCF-style: chr5-151542356-A-G. GRCh37 (hg19) VCF-style: chr5-150921917-A-G.
Other names: short protein forms L2924P.
Identifiers: ClinVar variation 3614792 (VCV003614792.2).
Genomic context (GRCh38, chr5:151,542,356, plus strand): 5'-CAGGTGACCTGCCTGTTCTGCTCAGAAATGTCAGCATCCAGGGTCTTTAGAGTCGCCACC[A>G]GTTCGCCAGGCTCACTGTTCTCAACCACAGATCCTCTGTACTCTTCAGAAGCAAATCGGG-3'
Protein context (NP_001438.1, residues 2914-2934): SVVENSEPGE[Leu2924Pro]VATLKTLDAD